The following is an entry in ClinVar:

ClinVar aggregate classification (germline): Uncertain significance. Review status: criteria provided, multiple submitters, no conflicts (2 of 4 stars). 2 submissions from 2 submitters: Uncertain significance (2). Last evaluated 2025-04-07.

Conditions:
Inborn genetic diseases. Identifiers: MedGen C0950123, MeSH D030342.
Atrial fibrillation, familial, 7 (ATFB7). Identifiers: MedGen C2677106, MONDO:0012828, OMIM 612240.

Allele frequency attached by ClinVar (database versions not stated): ExAC 0.00001; gnomAD 0.00001; gnomAD exomes 0.00001.

Submissions (2):

Labcorp Genetics (formerly Invitae), Labcorp
Classification: Uncertain significance for Atrial fibrillation, familial, 7. Last evaluated: 2025-04-07. Review status: criteria provided, single submitter. Criteria: Invitae Variant Classification Sherloc (09022015). Collection method: clinical testing. Allele origin: germline.
Comment: This sequence change replaces aspartic acid, which is acidic and polar, with asparagine, which is neutral and polar, at codon 207 of the KCNA5 protein (p.Asp207Asn). This variant is present in population databases (rs757340322, gnomAD 0.005%). This variant has not been reported in the literature in individuals affected with KCNA5-related conditions. ClinVar contains an entry for this variant (Variation ID: 840414). Invitae Evidence Modeling of protein sequence and biophysical properties (such as structural, functional, and spatial information, amino acid conservation, physicochemical variation, residue mobility, and thermodynamic stability) indicates that this missense variant is not expected to disrupt KCNA5 protein function with a negative predictive value of 80%. In summary, the available evidence is currently insufficient to determine the role of this variant in disease. Therefore, it has been classified as a Variant of Uncertain Significance.

Ambry Genetics
Classification: Uncertain significance for Inborn genetic diseases. Last evaluated: 2024-03-28. Review status: criteria provided, single submitter. Criteria: Ambry Variant Classification Scheme 2023. Collection method: clinical testing. Allele origin: germline.

NM_002234.4(KCNA5):c.619G>A (p.Asp207Asn)

Gene: KCNA5 (potassium voltage-gated channel subfamily A member 5; plus strand). Cytogenetic location: 12p13.32.
Variant type: single nucleotide variant.
Coding change: c.619G>A on transcript NM_002234.4 (MANE Select); coding-DNA position 619, G replaced by A.
Protein change: p.Asp207Asn; replaces aspartic acid 207 with asparagine.
Molecular consequence: missense variant.
Genome position (GRCh38, 1-based): chr12:5,044,766, G>A. VCF-style: chr12-5044766-G-A. GRCh37 (hg19) VCF-style: chr12-5153932-G-A.
Other names: c.619G>A (NM_002234.2); short protein forms D207N.
Identifiers: ClinVar variation 840414 (VCV000840414.10), dbSNP rs757340322, ClinGen allele CA6399674.